The following is an entry in ClinVar:

NM_022124.6(CDH23):c.5187+5G>T

Gene: CDH23 (cadherin related 23; plus strand). Cytogenetic location: 10q22.1.
Variant type: single nucleotide variant.
Coding change: c.5187+5G>T on transcript NM_022124.6 (MANE Select); 5 bases into the intron after coding-DNA position 5187, G replaced by T.
Molecular consequence: intron variant.
Genome position (GRCh38, 1-based): chr10:71,778,313, G>T. VCF-style: chr10-71778313-G-T. GRCh37 (hg19) VCF-style: chr10-73538070-G-T.
Identifiers: ClinVar variation 4882485 (VCV004882485.2).

ClinVar aggregate classification (germline): Uncertain significance (1 of 4 stars; one submission).

Submission:

Dasa
Classification: Uncertain significance. Last evaluated: 2026-03-05. Review status: criteria provided, single submitter. Criteria: DASA Assertion Criteria. Collection method: clinical testing. Allele origin: germline.
Comment: NM_022124.6(CDH23):c.5187+5G>T is a splice-region variant. This variant affects a splice-region context with prior evidence supporting clinical relevance. This variant is rare in population databases. Computational prediction algorithms are consistent with a deleterious effect. The currently available literature and clinical evidence are not sufficient to establish a definitive association between this variant and the reported condition. Therefore, this variant is classified as a variant of uncertain significance.